The following is an entry in ClinVar:

ClinVar aggregate classification (germline): Likely pathogenic. Review status: criteria provided, multiple submitters, no conflicts (2 of 4 stars). 2 submissions from 2 submitters: Likely pathogenic (2). Last evaluated 2026-09-17.

Conditions:
CFI-related disorder. Also called: CFI-related disorders; CFI-related condition. Identifiers: MedGen CN239325.

Submissions (2):

Genomenon, Inc
Classification: Likely pathogenic for CFI-related disorder. Last evaluated: 2026-09-17. Review status: criteria provided, single submitter. Criteria: Genomenon Sequence Variant Interpretation Standards - Updated. Collection method: curation. Allele origin: germline. Affected: yes.
Comment: CFI p.Asn549ThrfsTer25 (c.1646del) is a frameshift variant that is predicted to introduce a premature termination codon and result in a truncated or absent protein product. This variant has been observed in at least one proband affected with a CFI-related disorder (PMID:35619721;36577522). It has been observed in trans with a pathogenic or likely pathogenic variant in at least one individual (PMID:36577522). It is absent or not present at a significant frequency in gnomAD. In conclusion, we classify CFI p.Asn549ThrfsTer25 (c.1646del) as a likely pathogenic variant.

Rady Children's Institute for Genomic Medicine, Rady Children's Hospital San Diego
Classification: Likely pathogenic for CFI-related disorders. Last evaluated: 2022-01-26. Review status: criteria provided, single submitter. Criteria: ACMG Guidelines, 2015. Collection method: clinical testing. Allele origin: germline. Affected: yes.
Comment: This frameshift variant is found in the last exon of CFI and it is therefore predicted to escape nonsense-mediated mRNA decay (NMD). However, frameshift variants located downstream of this variant have been reported as disease-causing variants in the literature (PMID: 31440263, 24036952). This variant has not been previously reported or functionally characterized in the literature to our knowledge. Loss-of-function variation in CFI has been reported in individuals with complement factor I deficiency in the literature (PMID: 32853637, 31231365, 22710145); however, loss-of-function as a mechanism of disease has not yet been well established. The c.1646del (p.Asn549ThrfsTer25) variant is absent from the gnomAD population database and thus is presumed to be rare. Based on the available evidence, the c.1646del (p.Asn549ThrfsTer25) variant is classified as Likely Pathogenic.

Literature cited by the submitters: PubMed 35619721 (cited by Genomenon, Inc); PubMed 36577522 (cited by Genomenon, Inc).

NM_000204.5(CFI):c.1646del (p.Asn549fs)

Gene: CFI (complement factor I; minus strand). Cytogenetic location: 4q25.
Variant type: Deletion.
Coding change: c.1646del on transcript NM_000204.5 (MANE Select); coding-DNA position 1646, one base deleted (A; older notation c.1646delA).
Protein change: p.Asn549fs; shifts the reading frame from asparagine 549.
Molecular consequence: frameshift variant. On other transcripts: non-coding transcript variant (3), intron variant (5).
Genome position (GRCh38, 1-based): chr4:109,740,999, T deleted on the plus strand (A on the coding strand, the reverse complement: CFI is on the minus strand); the first of 4 consecutive T bases (chr4:109,740,999-109,741,002); deleting any one gives the same sequence. VCF-style (leftmost placement, unchanged base first): chr4-109740998-GT-G. GRCh37 (hg19) VCF-style: chr4-110662154-GT-G.
Other names: c.1670del, p.Asn557fs (NM_001318057.2); c.1625del, p.Asn542fs (NM_001331035.2); c.1589del, p.Asn530fs (NM_001375283.1); c.1037del, p.Asn346fs (NM_001375284.1); c.1513+1492del (NM_001375282.1, NM_001375280.1); c.1534+1492del (NM_001375281.1, NM_001375279.1); c.1558+1492del (NM_001375278.1); short protein forms N346fs, N530fs, N542fs, N549fs, N557fs.
Identifiers: ClinVar variation 1710506 (VCV001710506.3), dbSNP rs1445308792, ClinGen allele CA785224766.
Genomic context (GRCh38, chr4:109,740,998, plus strand): 5'-AATCCAGTCAAAATAATTGGCCACTTTGGTGTAAACACCTGGGAACTCTGGTTTTCCACA[GT>G]TTTCCCCCCAACTCACAACACCCCAGACATAAGTCACATTGTTGGCATCCATACAGACTA-3'